The following is an entry in ClinVar:

NM_007294.4(BRCA1):c.5193+1139_5193+1140del

Gene: BRCA1 (BRCA1 DNA repair associated; minus strand). Cytogenetic location: 17q21.31.
Variant type: Deletion.
Coding change: c.5193+1139_5193+1140del on transcript NM_007294.4 (MANE Select); bases 1139 to 1140 of the intron after coding-DNA position 5193, 2 bases deleted (TT; older notation c.5193+1139_5193+1140delTT).
Molecular consequence: intron variant.
Genome position (GRCh38, 1-based): chr17:43,062,193-43,062,194, AA deleted on the plus strand (TT on the coding strand, the reverse complement: BRCA1 is on the minus strand). VCF-style (leftmost placement, unchanged base first): chr17-43062192-CAA-C. GRCh37 (hg19) VCF-style: chr17-41214209-CAA-C.
Other names: IVS 19+1139del2; c.1740+1139_1740+1140del (NM_001408458.1, NM_001408461.1, NM_001408464.1 and 7 more transcripts); c.4302+1139_4302+1140del (NM_001407967.1); c.4812+1139_4812+1140del (NM_001407959.1); c.4926+1139_4926+1140del (NM_001407931.1, NM_001407932.1, NM_001407928.1 and 4 more transcripts); c.5049+1139_5049+1140del (NM_001407747.1, NM_001407745.1, NM_001407737.1 and 21 more transcripts); c.4809+1139_4809+1140del (NM_001407962.1, NM_001407960.1); c.1380+1139_1380+1140del (NM_001408512.1); and 73 more.
Identifiers: ClinVar variation 209320 (VCV000209320.2), dbSNP rs8176263, ClinGen allele CA276292.

ClinVar aggregate classification (germline): Benign (3 of 4 stars; one submission).

Conditions:
Breast-ovarian cancer, familial, susceptibility to, 1 (BROVCA1). Also called: BRCA1 Hereditary Breast and Ovarian Cancer; OVARIAN CANCER, SUSCEPTIBILITY TO. Identifiers: Orphanet 145, MedGen C2676676, MONDO:0011450, OMIM 604370. Disease mechanism: loss of function.

Allele frequency attached by ClinVar (database versions not stated): TOPMed 0.27582; gnomAD 0.28662 and 0.29499; 1000 Genomes Project 30x 0.31871; 1000 Genomes Project 0.32648.

Submission:

Evidence-based Network for the Interpretation of Germline Mutant Alleles (ENIGMA)
Classification: Benign for Breast-ovarian cancer, familial 1. Last evaluated: 2015-01-12. Review status: reviewed by expert panel. Criteria: ENIGMA BRCA1/2 Classification Criteria (2015). Collection method: curation. Allele origin: germline.
Comment: Class 1 not pathogenic based on frequency >1% in an outbred sampleset. Frequency 0.33 (Asian), 0.13 (African), 0.36 (European), derived from 1000 genomes (2012-04-30).